The following is an entry in ClinVar:

ClinVar aggregate classification (germline): Uncertain significance (1 of 4 stars; one submission).

Conditions:
Chuvash polycythemia. Also called: POLYCYTHEMIA, VHL-DEPENDENT. Identifiers: Orphanet 238557, MedGen C1837915, MONDO:0009892, OMIM 263400.
Von Hippel-Lindau syndrome (VHLS). Also called: von Hippel–Lindau syndrome; Von Hippel-Lindau; VHL syndrome. Identifiers: Orphanet 892, MedGen C0019562, MONDO:0008667, OMIM 193300. Disease mechanism: loss of function.

Submission:

Labcorp Genetics (formerly Invitae), Labcorp
Classification: Uncertain significance for Von Hippel-Lindau syndrome; Chuvash polycythemia. Last evaluated: 2022-12-15. Review status: criteria provided, single submitter. Criteria: Invitae Variant Classification Sherloc (09022015). Collection method: clinical testing. Allele origin: germline.
Comment: In summary, the available evidence is currently insufficient to determine the role of this variant in disease. Therefore, it has been classified as a Variant of Uncertain Significance. Algorithms developed to predict the effect of sequence changes on RNA splicing suggest that this variant is not likely to affect RNA splicing. Experimental studies and prediction algorithms are not available or were not evaluated, and the functional significance of this variant is currently unknown. ClinVar contains an entry for this variant (Variation ID: 1002607). This variant has not been reported in the literature in individuals affected with VHL-related conditions. This variant is not present in population databases (gnomAD no frequency). This sequence change falls in intron 1 of the VHL gene. It is not expected to change the encoded amino acid sequence of the VHL protein. However, this sequence change falls within a cryptic exon in the VHL gene, known as exon E1’, which is naturally expressed at low levels in several human tissues (PMID: 29891534).

Literature cited by the submitters: PubMed 29891534.

NM_000551.4(VHL):c.340+588C>A

Genes: VHL (von Hippel-Lindau tumor suppressor; plus strand), LOC107303340 (3p25 von Hippel-Lindau tumor suppressor, E3 ubiquitin protein ligase Alu-mediated recombination region; plus strand). Cytogenetic location: 3p25.3.
Variant type: single nucleotide variant.
Coding change: c.340+588C>A on transcript NM_000551.4 (MANE Select); 588 bases into the intron after coding-DNA position 340, C replaced by A.
Molecular consequence: intron variant. On other transcripts: missense variant (1).
Genome position (GRCh38, 1-based): chr3:10,142,775, C>A. VCF-style: chr3-10142775-C-A. GRCh37 (hg19) VCF-style: chr3-10184459-C-A.
Other names: c.353C>A, p.Pro118Gln (NM_001354723.2); c.340+588C>A (NM_198156.3); short protein forms P118Q.
Identifiers: ClinVar variation 1002607 (VCV001002607.9), dbSNP rs1696158160, ClinGen allele CA1345067140.